The following is an entry in ClinVar:

NM_020822.3(KCNT1):c.3050T>C (p.Leu1017Pro)

Gene: KCNT1 (potassium sodium-activated channel subfamily T member 1; plus strand). Cytogenetic location: 9q34.3.
Variant type: single nucleotide variant.
Coding change: c.3050T>C on transcript NM_020822.3 (MANE Select); coding-DNA position 3050, T replaced by C.
Protein change: p.Leu1017Pro; replaces leucine 1017 with proline.
Molecular consequence: missense variant.
Genome position (GRCh38, 1-based): chr9:135,784,783, T>C. VCF-style: chr9-135784783-T-C. GRCh37 (hg19) VCF-style: chr9-138676629-T-C.
Other names: c.2915T>C, p.Leu972Pro (NM_001272003.2); short protein forms L1017P, L972P.
Identifiers: ClinVar variation 593577 (VCV000593577.7), dbSNP rs1450164108, ClinGen allele CA375518079.
Genomic context (GRCh38, chr9:135,784,783, plus strand): 5'-CCACCTGCCCCAGCCAACTCAGGGTTCCCACCCTGCAGATGAAAATCACCGAGGGCGACC[T>C]GTGGATCCGCACGTACGGCCGCCTCTTCCAGAAGCTCTGCTCCTCCAGCGCCGAGATCCC-3'
Protein context (NP_065873.2, residues 1007-1027): LCAMKITEGD[Leu1017Pro]WIRTYGRLFQ

ClinVar aggregate classification (germline): Uncertain significance. Review status: criteria provided, multiple submitters, no conflicts (2 of 4 stars). 4 submissions from 3 submitters: Uncertain significance (4). Last evaluated 2022-03-15.

Conditions:
Autosomal dominant nocturnal frontal lobe epilepsy 5. Also called: Epilepsy, nocturnal frontal lobe, 5; CILIARY DYSKINESIA, PRIMARY, 28, WITHOUT SITUS INVERSUS; CILIARY DYSKINESIA, PRIMARY, 28, WITH SITUS INVERSUS; KCNT1-Related Epilepsy. Identifiers: Orphanet 98784, MedGen C3554306, MONDO:0014002, OMIM 615005.
Developmental and epileptic encephalopathy, 14 (DEE14). Also called: Early infantile epileptic encephalopathy 14. Identifiers: Orphanet 293181, MedGen C3554195, MONDO:0013989, OMIM 614959.

Submissions (4):

Genome-Nilou Lab
Classification: Uncertain significance for Developmental and epileptic encephalopathy, 14. Last evaluated: 2022-03-15. Review status: criteria provided, single submitter. Criteria: ACMG Guidelines, 2015. Collection method: clinical testing. Allele origin: germline. Affected: no.

Genome-Nilou Lab
Classification: Uncertain significance for Autosomal dominant nocturnal frontal lobe epilepsy 5. Last evaluated: 2022-03-15. Review status: criteria provided, single submitter. Criteria: ACMG Guidelines, 2015. Collection method: clinical testing. Allele origin: germline. Affected: no.

Labcorp Genetics (formerly Invitae), Labcorp
Classification: Uncertain significance for Epilepsy, nocturnal frontal lobe, 5; Early infantile epileptic encephalopathy 14. Last evaluated: 2019-10-31. Review status: criteria provided, single submitter. Criteria: Invitae Variant Classification Sherloc (09022015). Collection method: clinical testing. Allele origin: germline.
Comment: This sequence change replaces leucine with proline at codon 1017 of the KCNT1 protein (p.Leu1017Pro). The leucine residue is highly conserved and there is a moderate physicochemical difference between leucine and proline. This variant is not present in population databases (ExAC no frequency). This variant has not been reported in the literature in individuals with KCNT1-related conditions. ClinVar contains an entry for this variant (Variation ID: 593577). Algorithms developed to predict the effect of missense changes on protein structure and function (SIFT, PolyPhen-2, Align-GVGD) all suggest that this variant is likely to be disruptive, but these predictions have not been confirmed by published functional studies and their clinical significance is uncertain. In summary, the available evidence is currently insufficient to determine the role of this variant in disease. Therefore, it has been classified as a Variant of Uncertain Significance.

Eurofins Ntd Llc (ga)
Classification: Uncertain significance. Last evaluated: 2017-08-29. Review status: criteria provided, single submitter. Criteria: EGL Classification Definitions 2015. Collection method: clinical testing. Allele origin: germline. Observed: 1 variant allele, 1 heterozygote.